The following is an entry in ClinVar:

ClinVar aggregate classification (germline): Uncertain significance (1 of 4 stars; one submission).

Conditions:
Brugada syndrome 8 (BRGDA8). Identifiers: Orphanet 130, MedGen C2751083, MONDO:0013148, OMIM 613123.

gnomAD v4.1: 1 of 1,614,078 alleles (0.000062%); highest among the groups gnomAD compares: East Asian, 0.0022%; no homozygotes.

Submission:

Labcorp Genetics (formerly Invitae), Labcorp
Classification: Uncertain significance for Brugada syndrome 8. Last evaluated: 2025-10-21. Review status: criteria provided, single submitter. Criteria: Invitae Variant Classification Sherloc (09022015). Collection method: clinical testing. Allele origin: germline.
Comment: This sequence change replaces isoleucine, which is neutral and non-polar, with valine, which is neutral and non-polar, at codon 308 of the HCN4 protein (p.Ile308Val). This variant is present in population databases (no rsID available, gnomAD 0.006%). This variant has not been reported in the literature in individuals affected with HCN4-related conditions. Invitae Evidence Modeling of protein sequence and biophysical properties (such as structural, functional, and spatial information, amino acid conservation, physicochemical variation, residue mobility, and thermodynamic stability) indicates that this missense variant is not expected to disrupt HCN4 protein function with a negative predictive value of 95%. In summary, the available evidence is currently insufficient to determine the role of this variant in disease. Therefore, it has been classified as a Variant of Uncertain Significance.

NM_005477.3(HCN4):c.922A>G (p.Ile308Val)

Genes: HCN4 (hyperpolarization activated cyclic nucleotide gated potassium channel 4; minus strand), LOC105370890 (uncharacterized LOC105370890; plus strand), LOC126862173 (CDK7 strongly-dependent group 2 enhancer GRCh37_chr15:73635762-73636961; plus strand). Cytogenetic location: 15q24.1.
Variant type: single nucleotide variant.
Coding change: c.922A>G on transcript NM_005477.3 (MANE Select); coding-DNA position 922, A replaced by G.
Protein change: p.Ile308Val; replaces isoleucine 308 with valine.
Molecular consequence: missense variant.
Genome position (GRCh38, 1-based): chr15:73,343,672, T>C on the plus strand (A>G on the coding strand, the complement: HCN4 is on the minus strand). VCF-style: chr15-73343672-T-C. GRCh37 (hg19) VCF-style: chr15-73636013-T-C.
Other names: short protein forms I308V.
Identifiers: ClinVar variation 4709582 (VCV004709582.1).